The following is an entry in ClinVar:

ClinVar aggregate classification (germline): Pathogenic. Review status: criteria provided, multiple submitters, no conflicts (2 of 4 stars). 16 submissions from 16 submitters: Pathogenic (13). 3 of the submissions do not count toward it. Last evaluated 2026-01-28.

Conditions:
Familial adenomatous polyposis 2. Also called: MUTYH Polyposis; FAP type 2; MUTYH-associated polyposis; MUTYH-related attenuated familial adenomatous polyposis; MYH-associated polyposis; Adenomas, multiple colorectal. Identifiers: Orphanet 220460, Orphanet 247798, MedGen C3272841, MONDO:0012041, OMIM 608456.
Gastric cancer. Also called: Stomach cancer; Malignant tumor of stomach. Identifiers: MedGen C0024623, MeSH D013274, MONDO:0001056, OMIM 613659, HP:0012126.
Hereditary cancer-predisposing syndrome. Also called: Tumor predisposition; Neoplastic Syndromes, Hereditary; Hereditary Cancer Syndrome; Hereditary neoplastic syndrome. Identifiers: Orphanet 140162, MedGen C0027672, MeSH D009386, MONDO:0015356.
Familial colorectal cancer. Identifiers: MedGen CN280943, MONDO:0023113. Disease mechanism: loss of function.

Allele frequency attached by ClinVar (database versions not stated): gnomAD 0.00002 and 0.00004; gnomAD exomes 0.00006 and 0.00002; ExAC 0.00008; 1000 Genomes Project 0.00020; 1000 Genomes Project 30x 0.00031; TOPMed 0.00003.
gnomAD v4.1: 36 of 1,614,090 alleles (0.0022%); highest among the groups gnomAD compares: South Asian, 0.011%; no homozygotes.

Submissions 1 to 8 of 16:

Labcorp Genetics (formerly Invitae), Labcorp
Classification: Pathogenic for Familial adenomatous polyposis 2. Last evaluated: 2026-01-28. Review status: criteria provided, single submitter. Criteria: Invitae Variant Classification Sherloc (09022015). Collection method: clinical testing. Allele origin: germline.
Comment: This sequence change replaces arginine, which is basic and polar, with cysteine, which is neutral and slightly polar, at codon 245 of the MUTYH protein (p.Arg245Cys). This variant is present in population databases (rs200495564, gnomAD 0.02%). This missense change has been observed in individuals with familial adenomatous polyposis and/or MUTYH-associated polyposis (PMID: 15890374, 17949294, 23108399). This variant is also known as c.691C>T (p.Arg231Cys). ClinVar contains an entry for this variant (Variation ID: 41761). An algorithm developed to predict the effect of missense changes on protein structure and function (PolyPhen-2) suggests that this variant is likely to be disruptive. Experimental studies have shown that this missense change affects MUTYH function (PMID: 23108399, 25820570). For these reasons, this variant has been classified as Pathogenic.

Color Diagnostics, LLC DBA Color Health
Classification: Pathogenic for Hereditary cancer-predisposing syndrome. Last evaluated: 2025-06-04. Review status: criteria provided, single submitter. Criteria: ACMG Guidelines, 2015. Collection method: clinical testing. Allele origin: germline.
Comment: This missense variant replaces arginine with cysteine at codon 245 of the MUTYH protein. This variant is also known as c.691C>T (p.Arg231Cys) based on an alternative transcript (NM_001048171). Computational prediction suggests that this variant may have deleterious impact on protein structure and function. Functional studies have reported this variant to be non-functional in MUTYH glycosylase assay (PMID: 23108399) and complementation of MUTYH-deficient bacteria (PMID: 25820570). This variant has been observed as a homozygous variant and compound heterozygous variant with a pathogenic co-variant in individuals affected with colorectal cancer and/or multiple colorectal adenomas and polyps (PMID: 15890374, 17949294, 23108399, 34775073). This variant has also been identified in an individual affected with breast cancer (PMID: 34026625). This variant has been identified in 14/250276 chromosomes in the general population by the Genome Aggregation Database (gnomAD). Based on the available evidence, this variant is classified as Pathogenic.

Ambry Genetics
Classification: Pathogenic for Hereditary cancer-predisposing syndrome. Last evaluated: 2025-05-16. Review status: criteria provided, single submitter. Criteria: Ambry Variant Classification Scheme 2023. Collection method: clinical testing. Allele origin: germline.
Comment: The p.R245C pathogenic mutation (also known as c.733C>T), located in coding exon 9 of the MUTYH gene, results from a C to T substitution at nucleotide position 733. The arginine at codon 245 is replaced by cysteine, an amino acid with highly dissimilar properties. This variant has been identified in the homozygous state and/or in conjunction with other MUTYH variant(s) in individual(s) with features consistent with MUTYH-associated polyposis (Miyaki M et al. Mutat. Res. 2005 Oct 15;578(1-2):430-3; Olschwang S et al. Genet Test. 2007 Fall;11(3):315-20; Ruggieri V et al. Oncogene, 2013 Sep;32:4500-8; Ambry internal data). Current evidence supports codon 245 as a functionally important mutation hotspot, with multiple other missense alterations having been described as pathogenic or deficient in critical protein function in the literature (Aceto G et al. Hum Mutat. 2005 Oct;26(4):394; Vogt S et al. Gastroenterology. 2009 Dec;137(6):1976-85.e1-10; Bai H et al. Cancer Lett. 2007 May 18;250(1):74-81). In addition, a functional assay showed that p.R245C, which exists in a highly conserved and catalytic domain, results in partially defective protein expression levels compared to wild-type (Komine K et al. Hum. Mutat., 2015 Jul;36:704-11). Of note, this alteration is also described as p.R231C in published literature. This amino acid position is highly conserved in available vertebrate species. In addition, this alteration is predicted to be deleterious by in silico analysis. Based on the available evidence, this alteration is classified as a pathogenic mutation.

All of Us Research Program, National Institutes of Health
Classification: Pathogenic for Familial adenomatous polyposis 2. Last evaluated: 2024-08-06. Review status: criteria provided, single submitter. Criteria: ACMG Guidelines, 2015. Collection method: clinical testing. Allele origin: germline. Inheritance: Autosomal recessive inheritance. Observed: 9 variant alleles, 9 heterozygotes.
Comment: This missense variant replaces arginine with cysteine at codon 245 of the MUTYH protein. This variant is also known as c.691C>T (p.Arg231Cys) based on an alternative transcript (NM_001048171). Computational prediction suggests that this variant may have deleterious impact on protein structure and function (internally defined REVEL score threshold >= 0.7, PMID: 27666373). Functional studies have reported this variant to be non-functional in MUTYH glycosylase assay (PMID: 23108399) and complementation of MUTYH-deficient bacteria (PMID: 25820570). This variant has been observed as a homozygous variant and compound heterozygous variant with a pathogenic co-variant in individuals affected with colorectal cancer and/or multiple colorectal adenomas and polyps (PMID: 15890374, 17949294, 23108399, 34775073). This variant has also been identified in an individual affected with breast cancer (PMID: 34026625). This variant has been identified in 14/250276 chromosomes in the general population by the Genome Aggregation Database (gnomAD). Based on the available evidence, this variant is classified as Pathogenic.

This study involves interpretation of variants in research participants for the purpose of population health screening. Participant phenotype was not available at the time of variant classification. Additional details can be found in publication PMID: 35346344, PMCID: PMC8962531

Baylor Genetics
Classification: Pathogenic for Familial adenomatous polyposis 2. Last evaluated: 2024-03-24. Review status: criteria provided, single submitter. Criteria: ACMG Guidelines, 2015. Collection method: clinical testing. Allele origin: unknown.

GeneDx
Classification: Pathogenic. Last evaluated: 2023-04-02. Review status: criteria provided, single submitter. Criteria: GeneDx Variant Classification Process June 2021. Collection method: clinical testing. Allele origin: germline. Affected: yes.
Comment: Observed in the homozygous or compound heterozygous state in individuals with multiple polyps and colorectal cancer (Miyaki et al., 2005; Olschwang et al., 2007; Ruggieri et al., 2013; Gunaratnam et al., 2016; Furlan et al., 2017; Takao et al., 2018; Villy et al., 2021); Published functional studies demonstrate a damaging effect: absent DNA glycosylase activity, decreased MUTYH transcript and protein expression levels, and partially defective base excision repair (Ruggieri et al., 2013; Komine et al., 2015); In silico analysis supports that this missense variant has a deleterious effect on protein structure/function; This variant is associated with the following publications: (PMID: 23605219, 22744763, 24620956, 19725997, 17949294, 15890374, 22703879, 21443744, 22865608, 25655665, 23108399, 25820570, 26684191, 28087410, 28152038, 30564557, 30787465, 34775073, 32980694, 31739127, 19506731, 17703316, 23507534, 29915346, 11801590, 31203172, 24569162, 31104418, 32821650, 32665031, 27021195, 29330641, 34026625, 34308104, 30487145, 28141798)

Institute for Genomic Medicine (IGM) Clinical Laboratory, Nationwide Children's Hospital
Classification: Pathogenic for Familial adenomatous polyposis 2. Last evaluated: 2023-03-09. Review status: criteria provided, single submitter. Criteria: ACMG Guidelines, 2015. Collection method: clinical testing. Allele origin: germline.
Comment: Well-established functional studies have demonstrated this variant to have a damaging effect on protein function or splicing (ACMG/AMP: PS3_Moderate; PMIDs:23108399, 25820570). This variant has been reported at an elevated frequency in affected individuals/in multiple affected individuals in the literature (ACMG/AMP: PS4; PMIDs:23108399, 15890374, 29330641, 28141798). This variant has been observed in trans with a pathogenic variant (ACMG/AMP: PM3; PMID:23108399). A different substitution at this amino acid position has been reported as pathogenic (ACMG/AMP: PM5). This variant is predicted to alter protein function or structure, or disrupt splicing by multiple in silico tools (ACMG/AMP: PP3).

Fulgent Genetics
Classification: Pathogenic for Familial adenomatous polyposis 2; Gastric cancer. Last evaluated: 2022-04-19. Review status: criteria provided, single submitter. Criteria: ACMG Guidelines, 2015. Collection method: clinical testing. Allele origin: unknown.

NM_001048174.2(MUTYH):c.649C>T (p.Arg217Cys)

Gene: MUTYH (mutY DNA glycosylase; minus strand). Cytogenetic location: 1p34.1.
Variant type: single nucleotide variant.
Coding change: c.649C>T on transcript NM_001048174.2 (MANE Select); coding-DNA position 649, C replaced by T.
Protein change: p.Arg217Cys; replaces arginine 217 with cysteine.
Molecular consequence: missense variant. On other transcripts: non-coding transcript variant (2).
Genome position (GRCh38, 1-based): chr1:45,332,446, G>A on the plus strand (C>T on the coding strand, the complement: MUTYH is on the minus strand). VCF-style: chr1-45332446-G-A. GRCh37 (hg19) VCF-style: chr1-45798118-G-A.
Other names: c.649C>T, p.Arg217Cys (NM_001048171.2, NM_001048173.2, NM_001293195.2); c.652C>T, p.Arg218Cys (NM_001048172.2); c.733C>T, p.Arg245Cys (NM_001128425.2); c.694C>T, p.Arg232Cys (NM_001293190.2); c.682C>T, p.Arg228Cys (NM_001293191.2); c.373C>T, p.Arg125Cys (NM_001293192.2, NM_001293196.2); c.304C>T, p.Arg102Cys (NM_001350650.2, NM_001350651.2); c.724C>T, p.Arg242Cys (NM_012222.3); short protein forms R245C, R231C, R242C, R125C, R217C, R218C, R232C, R102C.
Identifiers: ClinVar variation 41761 (VCV000041761.87), dbSNP rs200495564, ClinGen allele CA011806.